The following is an entry in ClinVar:

NM_001128840.3(CACNA1D):c.3801C>G (p.Asp1267Glu)

Gene: CACNA1D (calcium voltage-gated channel subunit alpha1 D; plus strand). Cytogenetic location: 3p21.1.
Variant type: single nucleotide variant.
Coding change: c.3801C>G on transcript NM_001128840.3 (MANE Select); coding-DNA position 3801, C replaced by G.
Protein change: p.Asp1267Glu; replaces aspartic acid 1267 with glutamic acid.
Molecular consequence: missense variant.
Genome position (GRCh38, 1-based): chr3:53,762,012, C>G. VCF-style: chr3-53762012-C-G. GRCh37 (hg19) VCF-style: chr3-53796039-C-G.
Other names: c.3861C>G, p.Asp1287Glu (NM_000720.4); c.3801C>G, p.Asp1267Glu (NM_001128839.3); short protein forms D1267E, D1287E.
Identifiers: ClinVar variation 2880687 (VCV002880687.3), dbSNP rs143841559, ClinGen allele CA353254189.

ClinVar aggregate classification (germline): Uncertain significance (1 of 4 stars; one submission).

gnomAD v4.1: 4 of 1,612,646 alleles (0.00025%); highest among the groups gnomAD compares: Non-Finnish European, 0.00034%; no homozygotes.

Submission:

Labcorp Genetics (formerly Invitae), Labcorp
Classification: Uncertain significance. Last evaluated: 2023-05-11. Review status: criteria provided, single submitter. Criteria: Invitae Variant Classification Sherloc (09022015). Collection method: clinical testing. Allele origin: germline.
Comment: Advanced modeling of protein sequence and biophysical properties (such as structural, functional, and spatial information, amino acid conservation, physicochemical variation, residue mobility, and thermodynamic stability) performed at Invitae indicates that this missense variant is not expected to disrupt CACNA1D protein function. In summary, the available evidence is currently insufficient to determine the role of this variant in disease. Therefore, it has been classified as a Variant of Uncertain Significance. This sequence change replaces aspartic acid, which is acidic and polar, with glutamic acid, which is acidic and polar, at codon 1287 of the CACNA1D protein (p.Asp1287Glu). This variant is not present in population databases (gnomAD no frequency). This variant has not been reported in the literature in individuals affected with CACNA1D-related conditions.